The following is an entry in ClinVar:

ClinVar aggregate classification (germline): Uncertain significance (1 of 4 stars; one submission).

Submission:

Labcorp Genetics (formerly Invitae), Labcorp
Classification: Uncertain significance. Last evaluated: 2025-07-13. Review status: criteria provided, single submitter. Criteria: Invitae Variant Classification Sherloc (09022015). Collection method: clinical testing. Allele origin: germline.
Comment: This sequence change replaces glutamic acid, which is acidic and polar, with lysine, which is basic and polar, at codon 159 of the FN1 protein (p.Glu159Lys). This variant is not present in population databases (gnomAD no frequency). This variant has not been reported in the literature in individuals affected with FN1-related conditions. An algorithm developed to predict the effect of missense changes on protein structure and function (PolyPhen-2) suggests that this variant is likely to be disruptive. In summary, the available evidence is currently insufficient to determine the role of this variant in disease. Therefore, it has been classified as a Variant of Uncertain Significance.

NM_212482.4(FN1):c.475G>A (p.Glu159Lys)

Gene: FN1 (fibronectin 1; minus strand). Cytogenetic location: 2q35.
Variant type: single nucleotide variant.
Coding change: c.475G>A on transcript NM_212482.4 (MANE Select); coding-DNA position 475, G replaced by A.
Protein change: p.Glu159Lys; replaces glutamic acid 159 with lysine.
Molecular consequence: missense variant.
Genome position (GRCh38, 1-based): chr2:215,431,905, C>T on the plus strand (G>A on the coding strand, the complement: FN1 is on the minus strand). VCF-style: chr2-215431905-C-T. GRCh37 (hg19) VCF-style: chr2-216296628-C-T.
Other names: c.475G>A, p.Glu159Lys (NM_001306129.2, NM_001306130.2, NM_001306131.2 and 14 more transcripts); short protein forms E159K.
Identifiers: ClinVar variation 4723077 (VCV004723077.1).
Genomic context (GRCh38, chr2:215,431,905, plus strand): 5'-AGGTCCATTCTCCTTTTCCATTACCAAGACACACACACTCTAACATGTAACCACCAGTCT[C>T]ATGTGGTCTCCTCCAGGTGTCACCAATCTTGTAGGACTGACCCCCTTCATGGCAGCGGTC-3'
Protein context (NP_997647.2, residues 149-169): KIGDTWRRPH[Glu159Lys]TGGYMLECVC